The following is an entry in ClinVar:

NM_020765.3(UBR4):c.3323C>T (p.Thr1108Ile)

Gene: UBR4 (ubiquitin protein ligase E3 component n-recognin 4; minus strand). Cytogenetic location: 1p36.13.
Variant type: single nucleotide variant.
Coding change: c.3323C>T on transcript NM_020765.3 (MANE Select); coding-DNA position 3323, C replaced by T.
Protein change: p.Thr1108Ile; replaces threonine 1108 with isoleucine.
Molecular consequence: missense variant.
Genome position (GRCh38, 1-based): chr1:19,173,062, G>A on the plus strand (C>T on the coding strand, the complement: UBR4 is on the minus strand). VCF-style: chr1-19173062-G-A. GRCh37 (hg19) VCF-style: chr1-19499556-G-A.
Other names: c.3323C>T (NM_020765.2); short protein forms T1108I.
Identifiers: ClinVar variation 2008912 (VCV002008912.3), dbSNP rs563548059, ClinGen allele CA651169.

ClinVar aggregate classification (germline): Uncertain significance. Review status: criteria provided, multiple submitters, no conflicts (2 of 4 stars). 2 submissions from 2 submitters: Uncertain significance (2). Last evaluated 2023-05-17.

Allele frequency attached by ClinVar (database versions not stated): gnomAD 0.00002; gnomAD exomes 0.00002; ExAC 0.00006.
gnomAD v4.1: 33 of 1,614,210 alleles (0.002%); highest among the groups gnomAD compares: South Asian, 0.035%; no homozygotes.

Submissions (2):

Ambry Genetics
Classification: Uncertain significance. Last evaluated: 2023-05-17. Review status: criteria provided, single submitter. Criteria: Ambry Variant Classification Scheme 2023. Collection method: clinical testing. Allele origin: germline.

Labcorp Genetics (formerly Invitae), Labcorp
Classification: Uncertain significance. Last evaluated: 2022-01-07. Review status: criteria provided, single submitter. Criteria: Invitae Variant Classification Sherloc (09022015). Collection method: clinical testing. Allele origin: germline.
Comment: This sequence change replaces threonine, which is neutral and polar, with isoleucine, which is neutral and non-polar, at codon 1108 of the UBR4 protein (p.Thr1108Ile). This variant is present in population databases (rs563548059, gnomAD 0.04%). This variant has not been reported in the literature in individuals affected with UBR4-related conditions. Algorithms developed to predict the effect of missense changes on protein structure and function (SIFT, PolyPhen-2, Align-GVGD) all suggest that this variant is likely to be tolerated. In summary, the available evidence is currently insufficient to determine the role of this variant in disease. Therefore, it has been classified as a Variant of Uncertain Significance.